The following is an entry in ClinVar:

ClinVar aggregate classification (germline): Pathogenic (1 of 4 stars; one submission).

Conditions:
Alstrom syndrome (ALMS). Identifiers: Orphanet 64, MedGen C0268425, MONDO:0008763, OMIM 203800.

Submission:

3billion
Classification: Pathogenic for Alstrom syndrome. Last evaluated: 2022-05-22. Review status: criteria provided, single submitter. Criteria: ACMG Guidelines, 2015. Collection method: clinical testing. Allele origin: germline. Affected: yes. Observed: 1 heterozygote.
Comment: The variant is observed at an extremely low frequency in the gnomAD v2.1.1 dataset (total allele frequency: 0.001%). Frameshift: predicted to result in a loss or disruption of normal protein function through nonsense-mediated decay (NMD) or protein truncation. Multiple pathogenic variants are reported downstream of the variant. The variant has been reported to be associated with ALMS1 related disorder (ClinVar ID: VCV000529393 / PMID: 25846608 / 3billion dataset). Therefore, this variant is classified as pathogenic according to the recommendation of ACMG/AMP guideline.

Literature cited by the submitters: PubMed 25846608.

NM_001378454.1(ALMS1):c.6163_6164dup (p.Asn2055fs)

Gene: ALMS1 (ALMS1 centrosome and basal body associated protein; plus strand). Cytogenetic location: 2p13.1.
Variant type: Duplication.
Coding change: c.6163_6164dup on transcript NM_001378454.1 (MANE Select); coding-DNA positions 6163 to 6164, 2 bases duplicated (AA; older notation c.6163_6164dupAA).
Protein change: p.Asn2055fs; shifts the reading frame from asparagine 2055.
Molecular consequence: frameshift variant.
Genome position (GRCh38, 1-based): chr2:73,452,690-73,452,691, AA duplicated. VCF-style (leftmost placement, unchanged base first): chr2-73452689-C-CAA. GRCh37 (hg19) VCF-style: chr2-73679816-C-CAA.
Other names: c.6166_6167dup, p.Asn2056fs (NM_015120.4); short protein forms N2055fs, N2056fs.
Identifiers: ClinVar variation 1687486 (VCV001687486.1), dbSNP rs2103789120, ClinGen allele CA2573135762.